The following is an entry in ClinVar:

ClinVar aggregate classification (germline): Conflicting classifications of pathogenicity. Review status: criteria provided, conflicting classifications (1 of 4 stars). 5 submissions from 5 submitters: Uncertain significance (1); Likely benign (3). 1 of the submissions does not count toward it. Last evaluated 2025-09-01.

Conditions:
Hereditary macular dystrophy. Also called: Genetic macular dystrophy. Identifiers: MedGen C0339508, MONDO:0020242.
Retinitis pigmentosa 12 (RP12). Also called: RP WITH OR WITHOUT PPRPE; RP WITH OR WITHOUT PRESERVED PARAARTERIOLE RETINAL PIGMENT EPITHELIUM; RETINITIS PIGMENTOSA WITH OR WITHOUT PARAARTERIOLAR PRESERVATION OF RETINAL PIGMENT EPITHELIUM. Identifiers: Orphanet 791, MedGen C1838647, MONDO:0010818, OMIM 600105.
Leber congenital amaurosis 8 (LCA8). Identifiers: Orphanet 65, MedGen C3151202, MONDO:0013453, OMIM 613835.
Leber congenital amaurosis (LCA). Also called: Leber's amaurosis. Identifiers: Orphanet 65, MedGen C0339527, MeSH D057130, MONDO:0018998.

Allele frequency attached by ClinVar (database versions not stated): TOPMed 0.00013; ESP Exome Variant Server 0.00015; gnomAD exomes 0.00022; 1000 Genomes Project 0.00060; 1000 Genomes Project 30x 0.00062.
gnomAD v4.1: 248 of 1,613,866 alleles (0.015%); highest among the groups gnomAD compares: South Asian, 0.06%; 1 homozygote.

Submissions (5):

CeGaT Center for Human Genetics Tuebingen
Classification: Likely benign. Last evaluated: 2025-09-01. Review status: criteria provided, single submitter. Criteria: CeGaT Center For Human Genetics Tuebingen Variant Classification Criteria Version 2. Collection method: clinical testing. Allele origin: germline. Affected: yes. Observed: 1 variant allele.
Comment: CRB1: BP4

Labcorp Genetics (formerly Invitae), Labcorp
Classification: Likely benign for Leber congenital amaurosis 8; Retinitis pigmentosa 12. Last evaluated: 2025-08-21. Review status: criteria provided, single submitter. Criteria: Invitae Variant Classification Sherloc (09022015). Collection method: clinical testing. Allele origin: germline.

Blueprint Genetics
Classification: Likely benign. Last evaluated: 2024-08-22. Review status: criteria provided, single submitter. Criteria: ACMG Guidelines, 2015. Collection method: clinical testing. Allele origin: germline.

Department of Pathology and Laboratory Medicine, Sinai Health System
Classification: Uncertain significance for hereditary macular dystrophy. Last evaluated: 2021-11-12. Review status: criteria provided, single submitter. Criteria: ACMG Guidelines, 2015. Collection method: research. Allele origin: germline.

Natera, Inc.
Classification: Uncertain significance for Leber congenital amaurosis. Last evaluated: 2020-09-16. Review status: no assertion criteria provided. Collection method: clinical testing. Allele origin: germline. Not counted in ClinVar's aggregate classification.

NM_201253.3(CRB1):c.4148G>A (p.Arg1383His)

Gene: CRB1 (crumbs cell polarity complex component 1; plus strand). Cytogenetic location: 1q31.3.
Variant type: single nucleotide variant.
Coding change: c.4148G>A on transcript NM_201253.3 (MANE Select); coding-DNA position 4148, G replaced by A.
Protein change: p.Arg1383His; replaces arginine 1383 with histidine.
Molecular consequence: missense variant. On other transcripts: non-coding transcript variant (2).
Genome position (GRCh38, 1-based): chr1:197,477,806, G>A. VCF-style: chr1-197477806-G-A. GRCh37 (hg19) VCF-style: chr1-197446936-G-A.
Other names: c.3812G>A, p.Arg1271His (NM_001193640.2); c.4076G>A, p.Arg1359His (NM_001257965.2); c.2540G>A, p.Arg847His (NM_001257966.2); short protein forms R1383H, R847H, R1271H, R1359H.
Identifiers: ClinVar variation 847770 (VCV000847770.19), dbSNP rs200573274, ClinGen allele CA1312561.